The following is an entry in ClinVar:

ClinVar aggregate classification (germline): Uncertain significance (1 of 4 stars; one submission).

gnomAD v4.1: 2 of 1,610,242 alleles (0.00012%); highest among the groups gnomAD compares: East Asian, 0.0022%; no homozygotes.

Submission:

GeneDx
Classification: Uncertain significance. Last evaluated: 2025-07-12. Review status: criteria provided, single submitter. Criteria: GeneDx Variant Classification Process June 2021. Collection method: clinical testing. Allele origin: germline. Affected: yes.
Comment: Not observed at significant frequency in large population cohorts (gnomAD); In silico analysis supports that this missense variant has a deleterious effect on protein structure/function; Has not been previously published as pathogenic or benign to our knowledge

NM_058004.4(PI4KA):c.2593C>T (p.Arg865Cys)

Gene: PI4KA (phosphatidylinositol 4-kinase alpha; minus strand). Cytogenetic location: 22q11.21.
Variant type: single nucleotide variant.
Coding change: c.2593C>T on transcript NM_058004.4 (MANE Select); coding-DNA position 2593, C replaced by T.
Protein change: p.Arg865Cys; replaces arginine 865 with cysteine.
Molecular consequence: missense variant.
Genome position (GRCh38, 1-based): chr22:20,764,932, G>A on the plus strand (C>T on the coding strand, the complement: PI4KA is on the minus strand). VCF-style: chr22-20764932-G-A. GRCh37 (hg19) VCF-style: chr22-21119220-G-A.
Other names: c.2593C>T, p.Arg865Cys (NM_001362862.2); c.2527C>T, p.Arg843Cys (NM_001362863.2); short protein forms R843C, R865C.
Identifiers: ClinVar variation 4685084 (VCV004685084.1).